The following is an entry in ClinVar:

NM_000165.5(GJA1):c.456G>A (p.Leu152=)

Gene: GJA1 (gap junction protein alpha 1; plus strand). Cytogenetic location: 6q22.31.
Variant type: single nucleotide variant.
Coding change: c.456G>A on transcript NM_000165.5 (MANE Select); coding-DNA position 456, G replaced by A.
Protein change: p.Leu152=; no amino-acid change (leucine 152 retained).
Molecular consequence: synonymous variant.
Genome position (GRCh38, 1-based): chr6:121,447,303, G>A. VCF-style: chr6-121447303-G-A. GRCh37 (hg19) VCF-style: chr6-121768449-G-A.
Identifiers: ClinVar variation 355160 (VCV000355160.14), dbSNP rs72548741, ClinGen allele CA3981689.
Genomic context (GRCh38, chr6:121,447,303, plus strand): 5'-AAAGAAGTTCAAGTACGGTATTGAAGAGCATGGTAAGGTGAAAATGCGAGGGGGGTTGCT[G>A]CGAACCTACATCATCAGTATCCTCTTCAAGTCTATCTTTGAGGTGGCCTTCTTGCTGATC-3'
Protein context (NP_000156.1, residues 142-162): HGKVKMRGGL[Leu152=]RTYIISILFK

ClinVar aggregate classification (germline): Conflicting classifications of pathogenicity. Review status: criteria provided, conflicting classifications (1 of 4 stars). 5 submissions from 3 submitters: Uncertain significance (1); Benign (2); Likely benign (2). Last evaluated 2025-09-11.

Conditions:
Oculodentodigital dysplasia (ODDD). Also called: ODD SYNDROME; Oculodentodigital syndrome. Identifiers: Orphanet 2710, MedGen C0812437, MONDO:0008111, OMIM 164200.
Oculodentodigital dysplasia, autosomal recessive. Also called: OCULODENTOOSSEOUS DYSPLASIA, AUTOSOMAL RECESSIVE; ODDD, AUTOSOMAL RECESSIVE; ODOD, AUTOSOMAL RECESSIVE. Identifiers: Orphanet 2710, MedGen C2749477, MONDO:0009768, OMIM 257850.
Hypoplastic left heart syndrome 1 (HLHS1). Identifiers: Orphanet 2248, MedGen C4551854, MONDO:0009433, OMIM 241550.
Syndactyly type 3 (SDTY3). Also called: RING AND LITTLE FINGER SYNDACTYLY; SYNDACTYLY OF FINGERS IV AND V. Identifiers: Orphanet 93404, MedGen C1861366, MONDO:0008514, OMIM 186100.

Allele frequency attached by ClinVar (database versions not stated): gnomAD exomes 0.00003 and 0.00012; ExAC 0.00009; gnomAD 0.00011; TOPMed 0.00015; 1000 Genomes Project 30x 0.00016; 1000 Genomes Project 0.00020.
gnomAD v4.1: 63 of 1,614,092 alleles (0.0039%); highest among the groups gnomAD compares: East Asian, 0.12%; no homozygotes.

Submissions (5):

Labcorp Genetics (formerly Invitae), Labcorp
Classification: Likely benign for Oculodentodigital dysplasia, autosomal recessive. Last evaluated: 2025-09-11. Review status: criteria provided, single submitter. Criteria: Invitae Variant Classification Sherloc (09022015). Collection method: clinical testing. Allele origin: germline.

GeneDx
Classification: Likely benign. Last evaluated: 2018-04-26. Review status: criteria provided, single submitter. Criteria: GeneDx Variant Classification (06012015). Collection method: clinical testing. Allele origin: germline. Affected: yes.
Comment: This variant is considered likely benign or benign based on one or more of the following criteria: it is a conservative change, it occurs at a poorly conserved position in the protein, it is predicted to be benign by multiple in silico algorithms, and/or has population frequency not consistent with disease.

Illumina Laboratory Services, Illumina
Classification: Benign for Oculodentodigital dysplasia. Last evaluated: 2018-01-12. Review status: criteria provided, single submitter. Criteria: ICSL Variant Classification Criteria 13 December 2019. Collection method: clinical testing. Allele origin: germline.
Comment: This variant was observed in the ICSL laboratory as part of a predisposition screen in an ostensibly healthy population. It had not been previously curated by ICSL or reported in the Human Gene Mutation Database (HGMD: prior to June 1st, 2018), and was therefore a candidate for classification through an automated scoring system. Utilizing variant allele frequency, disease prevalence and penetrance estimates, and inheritance mode, an automated score was calculated to assess if this variant is too frequent to cause the disease. Based on the score and internal cut-off values, a variant classified as benign is not then subjected to further curation. The score for this variant resulted in a classification of benign for this disease.

Illumina Laboratory Services, Illumina
Classification: Benign for Syndactyly type 3. Last evaluated: 2018-01-12. Review status: criteria provided, single submitter. Criteria: ICSL Variant Classification Criteria 13 December 2019. Collection method: clinical testing. Allele origin: germline.
Comment: the same text as in the submission from Illumina Laboratory Services, Illumina above.

Illumina Laboratory Services, Illumina
Classification: Uncertain significance for Hypoplastic left heart syndrome 1. Last evaluated: 2018-01-12. Review status: criteria provided, single submitter. Criteria: ICSL Variant Classification Criteria 13 December 2019. Collection method: clinical testing. Allele origin: germline.